The following is an entry in ClinVar:

ClinVar aggregate classification (germline): Uncertain significance (1 of 4 stars; one submission).

Submission:

Labcorp Genetics (formerly Invitae), Labcorp
Classification: Uncertain significance. Last evaluated: 2024-08-29. Review status: criteria provided, single submitter. Criteria: Invitae Variant Classification Sherloc (09022015). Collection method: clinical testing. Allele origin: germline.
Comment: This sequence change falls in intron 2 of the DCHS1 gene. It does not directly change the encoded amino acid sequence of the DCHS1 protein. It affects a nucleotide within the consensus splice site. This variant is not present in population databases (gnomAD no frequency). This variant has not been reported in the literature in individuals affected with DCHS1-related conditions. Variants that disrupt the consensus splice site are a relatively common cause of aberrant splicing (PMID: 17576681, 9536098). Algorithms developed to predict the effect of sequence changes on RNA splicing suggest that this variant is not likely to affect RNA splicing. In summary, the available evidence is currently insufficient to determine the role of this variant in disease. Therefore, it has been classified as a Variant of Uncertain Significance.

Literature cited by the submitters: PubMed 17576681; PubMed 9536098.

NM_003737.4(DCHS1):c.1797+4G>C

Gene: DCHS1 (dachsous cadherin-related 1; minus strand). Cytogenetic location: 11p15.4.
Variant type: single nucleotide variant.
Coding change: c.1797+4G>C on transcript NM_003737.4 (MANE Select); 4 bases into the intron after coding-DNA position 1797, G replaced by C.
Molecular consequence: intron variant.
Genome position (GRCh38, 1-based): chr11:6,639,813, C>G on the plus strand (G>C on the coding strand, the complement: DCHS1 is on the minus strand). VCF-style: chr11-6639813-C-G. GRCh37 (hg19) VCF-style: chr11-6661044-C-G.
Identifiers: ClinVar variation 3663963 (VCV003663963.2).